The following is an entry in ClinVar:

ClinVar aggregate classification (germline): Pathogenic/Likely pathogenic. Review status: criteria provided, multiple submitters, no conflicts (2 of 4 stars). 3 submissions from 3 submitters: Pathogenic (2); Likely pathogenic (1). Last evaluated 2022-06-21.

Conditions:
CSPP1-related disorder. Also called: CSPP1-related condition.
Joubert syndrome 21 (JBTS21). Identifiers: MedGen C3810212, MONDO:0014288, OMIM 615636.

Submissions (3):

Blueprint Genetics
Classification: Likely pathogenic for CSPP1-related disorders. Last evaluated: 2022-06-21. Review status: criteria provided, single submitter. Criteria: ACMG Guidelines, 2015. Collection method: clinical testing. Allele origin: germline. Affected: yes. Observed: 1 variant allele.

UW Hindbrain Malformation Research Program, University of Washington
Classification: Pathogenic for Joubert syndrome 21. Last evaluated: 2015-02-23. Review status: criteria provided, single submitter. Criteria: Bachmann-Gagescu et al. (J Med Genet. 2015). Collection method: research. Allele origin: unknown. Affected: yes.

Juno Genomics, Hangzhou Juno Genomics, Inc
Classification: Pathogenic for Joubert syndrome 21. Review status: criteria provided, single submitter. Criteria: ACMG Guidelines, 2015. Collection method: clinical testing. Allele origin: germline.
Comment: Absent from controls (or at extremely low frequency if recessive) in Genome Aggregation Database.;Null variant in a gene where loss of function (LOF) is a known mechanism of disease.;For recessive disorders, detected in trans with a pathogenic variant.

NM_001382391.1(CSPP1):c.2463_2469del (p.Glu822fs)

Gene: CSPP1 (centrosome and spindle pole associated protein 1; plus strand). Cytogenetic location: 8q13.2.
Variant type: Microsatellite.
Coding change: c.2463_2469del on transcript NM_001382391.1 (MANE Select); coding-DNA positions 2463 to 2469, 7 bases deleted (AGAAGAA; older notation c.2463_2469delAGAAGAA).
Protein change: p.Glu822fs; shifts the reading frame from glutamic acid 822.
Molecular consequence: frameshift variant.
Genome position (GRCh38, 1-based): chr8:67,159,062-67,159,068, AGAAGAA deleted; deleting any 7 consecutive bases within chr8:67,159,050-67,159,068 gives the same sequence; the c. name uses the placement nearest the transcript's 3' end. VCF-style (leftmost placement, unchanged base first): chr8-67159049-AAAGAAAG-A. GRCh37 (hg19) VCF-style: chr8-68071284-AAAGAAAG-A.
Other names: c.2448_2454delAGAAGAA (NM_024790.6); c.1413_1419del, p.Glu472fs (NM_001291339.2); c.2382_2388del, p.Glu795fs (NM_001363131.2); c.2268_2274del, p.Glu757fs (NM_001363132.2); c.2187_2193del, p.Glu730fs (NM_001363133.2); c.2529_2535del, p.Glu844fs (NM_001364869.1); c.2349_2355del, p.Glu784fs (NM_001364870.1); c.2441_2447AGAAGAA[1], p.Glu817Asnfs (NM_024790.7); short protein forms E757fs, E784fs, E795fs, E472fs, E817fs, E844fs, E730fs, E822fs.
Identifiers: ClinVar variation 217651 (VCV000217651.4), dbSNP rs863225191, ClinGen allele CA279548.